The following is an entry in ClinVar:

NM_000032.5(ALAS2):c.1693G>C (p.Glu565Gln)

Gene: ALAS2 (5'-aminolevulinate synthase 2; minus strand). Cytogenetic location: Xp11.21.
Variant type: single nucleotide variant.
Coding change: c.1693G>C on transcript NM_000032.5 (MANE Select); coding-DNA position 1693, G replaced by C.
Protein change: p.Glu565Gln; replaces glutamic acid 565 with glutamine.
Molecular consequence: missense variant.
Genome position (GRCh38, 1-based): chrX:55,009,251, C>G on the plus strand (G>C on the coding strand, the complement: ALAS2 is on the minus strand). VCF-style: chrX-55009251-C-G. GRCh37 (hg19) VCF-style: chrX-55035684-C-G.
Other names: c.1693G>C, p.Glu565Gln (LRG_1163t1); c.1582G>C, p.Glu528Gln (NM_001037967.4); c.1654G>C, p.Glu552Gln (NM_001037968.4); short protein forms E565Q, E552Q, E528Q.
Identifiers: ClinVar variation 393267 (VCV000393267.2), dbSNP rs1057524863, ClinGen allele CA16608960.

ClinVar aggregate classification (germline): Uncertain significance (1 of 4 stars; one submission).

Submission:

GeneDx
Classification: Uncertain significance. Last evaluated: 2017-02-07. Review status: criteria provided, single submitter. Criteria: GeneDx Variant Classification (06012015). Collection method: clinical testing. Allele origin: germline. Affected: yes.
Comment: The E565Q variant has not been published as a pathogenic variant, nor has it been reported as a benign variant to our knowledge. The E565Q variant is not observed in large population cohorts (Lek et al., 2016; 1000 Genomes Consortium et al., 2015; Exome Variant Server). The E565Q variant is a semi-conservative amino acid substitution, which may impact secondary protein structure as these residues differ in some properties. This substitution occurs at a position that is not conserved. In silico analysis is inconsistent in its predictions as to whether or not the variant is damaging to the protein structure/function. In summary, based on the currently available information, it is unclear whether this variant is a pathogenic variant or a rare benign variant.